The following is an entry in ClinVar:

ClinVar aggregate classification (germline): Uncertain significance. Review status: criteria provided, multiple submitters, no conflicts (2 of 4 stars). 3 submissions from 3 submitters: Uncertain significance (2). 1 of the submissions does not count toward it. Last evaluated 2024-11-05.

Conditions:
Retinitis pigmentosa (RP). Identifiers: Orphanet 791, MedGen C0035334, MeSH D012174, MONDO:0019200, OMIM 268000. Inheritance: Autosomal dominant, autosomal recessive and X linked inheritance.
Retinal dystrophy. Also called: Inherited retinal dystrophy. Identifiers: Orphanet 71862, MedGen C0854723, MeSH D058499, MONDO:0019118, HP:0000556.

Allele frequency attached by ClinVar (database versions not stated): gnomAD exomes 0.00001 and 0.00002; TOPMed 0.00001; ExAC 0.00002; gnomAD 0.00002.
gnomAD v4.1: 25 of 1,614,082 alleles (0.0015%); highest among the groups gnomAD compares: African/African-American, 0.0027%; no homozygotes.

Submissions (3):

Labcorp Genetics (formerly Invitae), Labcorp
Classification: Uncertain significance. Last evaluated: 2024-11-05. Review status: criteria provided, single submitter. Criteria: Invitae Variant Classification Sherloc (09022015). Collection method: clinical testing. Allele origin: germline.
Comment: This sequence change replaces lysine, which is basic and polar, with glutamine, which is neutral and polar, at codon 733 of the PCARE protein (p.Lys733Gln). This variant is present in population databases (rs746749375, gnomAD 0.008%). This variant has not been reported in the literature in individuals affected with PCARE-related conditions. ClinVar contains an entry for this variant (Variation ID: 896341). An algorithm developed to predict the effect of missense changes on protein structure and function (PolyPhen-2) suggests that this variant is likely to be disruptive. In summary, the available evidence is currently insufficient to determine the role of this variant in disease. Therefore, it has been classified as a Variant of Uncertain Significance.

Illumina Laboratory Services, Illumina
Classification: Uncertain significance for Retinitis pigmentosa. Last evaluated: 2018-01-13. Review status: criteria provided, single submitter. Criteria: ICSL Variant Classification Criteria 13 December 2019. Collection method: clinical testing. Allele origin: germline.

Institute of Human Genetics, Univ. Regensburg, Univ. Regensburg
Classification: Uncertain significance for Retinal dystrophy. Last evaluated: 2018-01-01. Review status: no assertion criteria provided. Criteria: ACMG Guidelines, 2015. Collection method: clinical testing. Allele origin: germline. Affected: yes. Not counted in ClinVar's aggregate classification.

NM_001029883.3(PCARE):c.2197A>C (p.Lys733Gln)

Gene: PCARE (photoreceptor cilium actin regulator; minus strand). Cytogenetic location: 2p23.2.
Variant type: single nucleotide variant.
Coding change: c.2197A>C on transcript NM_001029883.3 (MANE Select); coding-DNA position 2197, A replaced by C.
Protein change: p.Lys733Gln; replaces lysine 733 with glutamine.
Molecular consequence: missense variant.
Genome position (GRCh38, 1-based): chr2:29,072,065, T>G on the plus strand (A>C on the coding strand, the complement: PCARE is on the minus strand). VCF-style: chr2-29072065-T-G. GRCh37 (hg19) VCF-style: chr2-29294931-T-G.
Other names: short protein forms K733Q.
Identifiers: ClinVar variation 896341 (VCV000896341.13), dbSNP rs746749375, ClinGen allele CA1592259.
Genomic context (GRCh38, chr2:29,072,065, plus strand): 5'-CGTCCTTAGAGTCCCCCAGCATCCTCAGACTCTCCGTGGGACTGAAAGTTTCAATAAGCT[T>G]CTTGACGGATGTTCTGGTGGGACAGCCTCTGACATTCCAGTCTGTGGCCTTGGCAGCCTC-3'
Protein context (NP_001025054.1, residues 723-743): RGCPTRTSVK[Lys733Gln]LIETFSPTES